The following is an entry in ClinVar:

ClinVar aggregate classification (germline): Likely benign (0 of 4 stars; one submission).

Conditions:
ATP2B3-related disorder. Also called: ATP2B3-related condition.

Allele frequency attached by ClinVar (database versions not stated): ExAC 0.00034; 1000 Genomes Project 30x 0.00042; gnomAD 0.00042; TOPMed 0.00046; 1000 Genomes Project 0.00053; ESP Exome Variant Server 0.00095; gnomAD exomes 0.00099.
gnomAD v4.1: 1,099 of 1,209,377 alleles (0.091%); highest among the groups gnomAD compares: Non-Finnish European, 0.12%; 1 homozygote.

Submission:

PreventionGenetics, part of Exact Sciences
Classification: Likely benign for ATP2B3-related condition. Last evaluated: 2019-04-02. Review status: no assertion criteria provided. Collection method: clinical testing. Allele origin: germline.
Comment: This variant is classified as likely benign based on ACMG/AMP sequence variant interpretation guidelines (Richards et al. 2015 PMID: 25741868, with internal and published modifications).

NM_001001344.3(ATP2B3):c.1011G>A (p.Ala337=)

Gene: ATP2B3 (ATPase plasma membrane Ca2+ transporting 3; plus strand). Cytogenetic location: Xq28.
Variant type: single nucleotide variant.
Coding change: c.1011G>A on transcript NM_001001344.3 (MANE Select); coding-DNA position 1011, G replaced by A.
Protein change: p.Ala337=; no amino-acid change (alanine 337 retained).
Molecular consequence: synonymous variant.
Genome position (GRCh38, 1-based): chrX:153,547,887, G>A. VCF-style: chrX-153547887-G-A. GRCh37 (hg19) VCF-style: chrX-152813345-G-A.
Other names: c.1011G>A, p.Ala337= (NM_001388360.1, NM_001388361.1, NM_001388362.1 and 1 more transcripts); c.969G>A, p.Ala323= (NM_001410708.1).
Identifiers: ClinVar variation 3046631 (VCV003046631.2), dbSNP rs142541769, ClinGen allele CA10547641.